The following is an entry in ClinVar:

ClinVar aggregate classification (germline): Uncertain significance (1 of 4 stars; one submission).

Conditions:
Cardiovascular phenotype. Identifiers: MedGen CN230736.

gnomAD v4.1: 9 of 1,612,484 alleles (0.00056%); highest among the groups gnomAD compares: Non-Finnish European, 0.00076%; no homozygotes.

Submission:

Ambry Genetics
Classification: Uncertain significance for Cardiovascular phenotype. Last evaluated: 2026-03-09. Review status: criteria provided, single submitter. Criteria: Ambry Variant Classification Scheme 2023. Collection method: clinical testing. Allele origin: germline.
Comment: The p.P149L variant (also known as c.446C>T), located in coding exon 4 of the LPL gene, results from a C to T substitution at nucleotide position 446. The proline at codon 149 is replaced by leucine, an amino acid with similar properties. This amino acid position is conserved. In addition, the in silico prediction for this alteration is inconclusive. Based on the available evidence, the clinical significance of this variant remains unclear.

NM_000237.3(LPL):c.446C>T (p.Pro149Leu)

Gene: LPL (lipoprotein lipase; plus strand). Cytogenetic location: 8p21.3.
Variant type: single nucleotide variant.
Coding change: c.446C>T on transcript NM_000237.3 (MANE Select); coding-DNA position 446, C replaced by T.
Protein change: p.Pro149Leu; replaces proline 149 with leucine.
Molecular consequence: missense variant.
Genome position (GRCh38, 1-based): chr8:19,953,326, C>T. VCF-style: chr8-19953326-C-T. GRCh37 (hg19) VCF-style: chr8-19810837-C-T.
Other names: short protein forms P149L.
Identifiers: ClinVar variation 4827675 (VCV004827675.1).